The following is an entry in ClinVar:

ClinVar aggregate classification (germline): Uncertain significance (1 of 4 stars; one submission).

Conditions:
Familial cold autoinflammatory syndrome 2 (FCAS2). Identifiers: Orphanet 247868, MedGen C2673198, MONDO:0012724, OMIM 611762.

gnomAD v4.1: 2 of 1,613,902 alleles (0.00012%); highest among the groups gnomAD compares: Admixed American, 0.0017%; no homozygotes.

Submission:

Labcorp Genetics (formerly Invitae), Labcorp
Classification: Uncertain significance for Familial cold autoinflammatory syndrome 2. Last evaluated: 2023-01-01. Review status: criteria provided, single submitter. Criteria: Invitae Variant Classification Sherloc (09022015). Collection method: clinical testing. Allele origin: germline.
Comment: This variant is present in population databases (no rsID available, gnomAD 0.003%). This sequence change replaces glutamine, which is neutral and polar, with histidine, which is basic and polar, at codon 798 of the NLRP12 protein (p.Gln798His). This variant has not been reported in the literature in individuals affected with NLRP12-related conditions. In summary, the available evidence is currently insufficient to determine the role of this variant in disease. Therefore, it has been classified as a Variant of Uncertain Significance. Advanced modeling of protein sequence and biophysical properties (such as structural, functional, and spatial information, amino acid conservation, physicochemical variation, residue mobility, and thermodynamic stability) performed at Invitae indicates that this missense variant is not expected to disrupt NLRP12 protein function.

NM_144687.4(NLRP12):c.2394G>C (p.Gln798His)

Gene: NLRP12 (NLR family pyrin domain containing 12; minus strand). Cytogenetic location: 19q13.42.
Variant type: single nucleotide variant.
Coding change: c.2394G>C on transcript NM_144687.4 (MANE Select); coding-DNA position 2394, G replaced by C.
Protein change: p.Gln798His; replaces glutamine 798 with histidine.
Molecular consequence: missense variant.
Genome position (GRCh38, 1-based): chr19:53,805,300, C>G on the plus strand (G>C on the coding strand, the complement: NLRP12 is on the minus strand). VCF-style: chr19-53805300-C-G. GRCh37 (hg19) VCF-style: chr19-54308554-C-G.
Other names: c.2397G>C, p.Gln799His (NM_001277126.2); c.2394A>C, p.Gln798His (NM_001277129.1); short protein forms Q799H, Q798H.
Identifiers: ClinVar variation 2976412 (VCV002976412.3), dbSNP rs4806773, ClinGen allele CA310065579.
Genomic context (GRCh38, chr19:53,805,300, plus strand): 5'-CAATGAGCTTAAGAAGTTGCTCCCGGGGATAGAGACTCACTGAATCATCTGCAGCCTGCA[C>G]TGGGGATGCCGCAGGCCCTCGCAAAGCAGCATCATGCCTGGGAATCCAACGCCGTTGCCA-3'
Protein context (NP_653288.1, residues 788-808): MLLCEGLRHP[Gln798His]CRLQMIQLRK